The following is an entry in ClinVar:

ClinVar aggregate classification (germline): Uncertain significance (1 of 4 stars; one submission).

Conditions:
Autosomal recessive ataxia, Beauce type. Also called: SYNE1-Related Autosomal Recessive Cerebellar Ataxia; SYNE1 Deficiency; Spinocerebellar ataxia, autosomal recessive 8; ATAXIA, RECESSIVE, OF BEAUCE. Identifiers: Orphanet 88644, MedGen C1853116, MONDO:0012549, OMIM 610743.
Emery-Dreifuss muscular dystrophy 4, autosomal dominant (EDMD4). Also called: EMERY-DREIFUSS MUSCULAR DYSTROPHY 4 WITH VARIABLE FEATURES. Identifiers: Orphanet 261, MedGen C2751807, MONDO:0013071, OMIM 612998.

Submission:

Labcorp Genetics (formerly Invitae), Labcorp
Classification: Uncertain significance for Emery-Dreifuss muscular dystrophy 4, autosomal dominant; Autosomal recessive ataxia, Beauce type. Last evaluated: 2022-03-23. Review status: criteria provided, single submitter. Criteria: Invitae Variant Classification Sherloc (09022015). Collection method: clinical testing. Allele origin: germline.
Comment: This variant has not been reported in the literature in individuals affected with SYNE1-related conditions. Algorithms developed to predict the effect of missense changes on protein structure and function are either unavailable or do not agree on the potential impact of this missense change (SIFT: "Not Available"; PolyPhen-2: "Benign"; Align-GVGD: "Not Available"). In summary, the available evidence is currently insufficient to determine the role of this variant in disease. Therefore, it has been classified as a Variant of Uncertain Significance. Information on the frequency of this variant in the gnomAD database is not available, as this variant may be reported differently in the database. This sequence change replaces alanine, which is neutral and non-polar, with isoleucine, which is neutral and non-polar, at codon 6050 of the SYNE1 protein (p.Ala6050Ile).

NM_182961.4(SYNE1):c.18361_18362delinsAT (p.Ala6121Ile)

Gene: SYNE1 (spectrin repeat containing nuclear envelope protein 1; minus strand). Cytogenetic location: 6q25.2.
Variant type: Indel.
Coding change: c.18361_18362delinsAT on transcript NM_182961.4 (MANE Select); coding-DNA positions 18361 to 18362, GC replaced by AT.
Protein change: p.Ala6121Ile; replaces alanine 6121 with isoleucine.
Molecular consequence: missense variant.
Genome position (GRCh38, 1-based): chr6:152,281,826-152,281,827, GC replaced by AT on the plus strand (GC replaced by AT on the coding strand, the reverse complement: SYNE1 is on the minus strand). VCF-style: chr6-152281826-GC-AT. GRCh37 (hg19) VCF-style: chr6-152602961-GC-AT.
Other names: c.18148_18149delinsAT, p.Ala6050Ile (NM_033071.5); short protein forms A6121I, A6050I.
Identifiers: ClinVar variation 1362453 (VCV001362453.6), dbSNP rs2153724594, ClinGen allele CA2573140636.